The following is an entry in ClinVar:

NM_001379081.2(FREM1):c.631C>T (p.Gln211Ter)

Gene: FREM1 (FRAS1 related extracellular matrix 1; minus strand). Cytogenetic location: 9p22.3.
Variant type: single nucleotide variant.
Coding change: c.631C>T on transcript NM_001379081.2 (MANE Select); coding-DNA position 631, C replaced by T.
Protein change: p.Gln211Ter; replaces glutamine 211 with a stop codon.
Molecular consequence: nonsense. On other transcripts: missense variant (1), non-coding transcript variant (4).
Genome position (GRCh38, 1-based): chr9:14,859,183, G>A on the plus strand (C>T on the coding strand, the complement: FREM1 is on the minus strand). VCF-style: chr9-14859183-G-A. GRCh37 (hg19) VCF-style: chr9-14859181-G-A.
Other names: c.631C>T, p.Arg211Cys (NM_001370060.1); c.631C>T, p.Gln211Ter (NM_001370063.1, NM_001370065.1, NM_144966.7); short protein forms Q211*, R211C.
Identifiers: ClinVar variation 1341519 (VCV001341519.4), dbSNP rs990411562, ClinGen allele CA372963586.

ClinVar aggregate classification (germline): Pathogenic/Likely pathogenic. Review status: criteria provided, multiple submitters, no conflicts (2 of 4 stars). 2 submissions from 2 submitters: Pathogenic (1); Likely pathogenic (1). Last evaluated 2025-03-23.

Conditions:
BNAR syndrome. Also called: Bifid Nose With or Without Anorectal and Renal Anomalies (BNAR) Syndrome. Identifiers: Orphanet 217266, MedGen C2750433, MONDO:0012165, OMIM 608980.

Allele frequency attached by ClinVar (database versions not stated): gnomAD 0.00001; TOPMed 0.00001; gnomAD exomes 0.00001 and below 0.00001.

Submissions (2):

Labcorp Genetics (formerly Invitae), Labcorp
Classification: Pathogenic. Last evaluated: 2025-03-23. Review status: criteria provided, single submitter. Criteria: Invitae Variant Classification Sherloc (09022015). Collection method: clinical testing. Allele origin: germline.
Comment: This sequence change creates a premature translational stop signal (p.Gln211*) in the FREM1 gene. It is expected to result in an absent or disrupted protein product. Loss-of-function variants in FREM1 are known to be pathogenic (PMID: 19732862, 21507892). This variant is present in population databases (no rsID available, gnomAD 0.004%). This variant has not been reported in the literature in individuals affected with FREM1-related conditions. ClinVar contains an entry for this variant (Variation ID: 1341519). For these reasons, this variant has been classified as Pathogenic.

Dasa
Classification: Likely pathogenic for BNAR syndrome. Last evaluated: 2022-02-14. Review status: criteria provided, single submitter. Criteria: ACMG Guidelines, 2015. Collection method: clinical testing. Allele origin: germline. Affected: yes. Observed: 1 variant allele.
Comment: The c.631C>T;p.(Gln211*) variant creates a premature translational stop signal in the FREM1 gene. It is expected to result in an absent or disrupted protein product - PVS1. This variant is not present in population databases (rs990411562, gnomAD; ABraOM no frequency) - PM2. In summary, the currently available evidence indicates that the variant is likely pathogenic.

Literature cited by the submitters: PubMed 19732862 (cited by Labcorp Genetics (formerly Invitae), Labcorp); PubMed 21507892 (cited by Labcorp Genetics (formerly Invitae), Labcorp).